The following is an entry in ClinVar:

ClinVar aggregate classification (germline): Benign (1 of 4 stars; one submission).

Allele frequency attached by ClinVar (database versions not stated): gnomAD 0.12500 and 0.12830; 1000 Genomes Project 0.12999; TOPMed 0.13154; 1000 Genomes Project 30x 0.13663.

Submission:

GeneDx
Classification: Benign. Last evaluated: 2018-06-14. Review status: criteria provided, single submitter. Criteria: GeneDx Variant Classification (06012015). Collection method: clinical testing. Allele origin: germline. Affected: yes.
Comment: This variant is considered likely benign or benign based on one or more of the following criteria: it is a conservative change, it occurs at a poorly conserved position in the protein, it is predicted to be benign by multiple in silico algorithms, and/or has population frequency not consistent with disease.

NM_001698.3(AUH):c.505+198T>C

Gene: AUH (AU RNA binding methylglutaconyl-CoA hydratase; minus strand). Cytogenetic location: 9q22.31.
Variant type: single nucleotide variant.
Coding change: c.505+198T>C on transcript NM_001698.3 (MANE Select); 198 bases into the intron after coding-DNA position 505, T replaced by C.
Molecular consequence: intron variant.
Genome position (GRCh38, 1-based): chr9:91,325,120, A>G on the plus strand (T>C on the coding strand, the complement: AUH is on the minus strand). VCF-style: chr9-91325120-A-G. GRCh37 (hg19) VCF-style: chr9-94087402-A-G.
Other names: c.419-27044T>C (NM_001306190.2); c.178+198T>C (NM_001351433.2, NM_001351431.2, NM_001351432.2).
Identifiers: ClinVar variation 672507 (VCV000672507.1), dbSNP rs1757659, ClinGen allele CA16367430.